The following is an entry in ClinVar:

ClinVar aggregate classification (germline): Pathogenic (1 of 4 stars; one submission).

Conditions:
VPS13A-related neurodegenerative disease. Also called: ACANTHOCYTOSIS WITH NEUROLOGIC DISORDER; LEVINE-CRITCHLEY SYNDROME; Choreoacanthocytosis; Chorea-acanthocytosis; Choreaacanthocytosis; VPS13A Disease. Identifiers: Orphanet 2388, MedGen C0393576, MONDO:0008695, OMIM 200150.

Submission:

Myriad Genetics, Inc.
Classification: Pathogenic for VPS13A-related neurodegenerative disease. Last evaluated: 2025-01-01. Review status: criteria provided, single submitter. Criteria: Myriad Autosomal Dominant, Autosomal Recessive and X-Linked Classification Criteria (2023). Collection method: clinical testing. Allele origin: unknown.
Comment: NM_033305.2(VPS13A):c.2158dupT(Y720Lfs*3) is expected to be pathogenic in the context of VPS13A disease. This variant is predicted to lead to an abnormal or absent protein product due to the creation of a premature termination codon in VPS13A, a gene where loss-of-function variants are known to be pathogenic. Please note: this variant was assessed in the context of healthy population screening.

NM_033305.3(VPS13A):c.2158dup (p.Tyr720fs)

Gene: VPS13A (vacuolar protein sorting 13 homolog A; plus strand). Cytogenetic location: 9q21.2.
Variant type: Duplication.
Coding change: c.2158dup on transcript NM_033305.3 (MANE Select); coding-DNA position 2158, one base duplicated (T; older notation c.2158dupT).
Protein change: p.Tyr720fs; shifts the reading frame from tyrosine 720.
Molecular consequence: frameshift variant.
Genome position (GRCh38, 1-based): chr9:77,250,217, T duplicated; the last of 3 consecutive T bases (chr9:77,250,215-77,250,217); duplicating any one gives the same sequence. VCF-style (leftmost placement, unchanged base first): chr9-77250214-C-CT. GRCh37 (hg19) VCF-style: chr9-79865130-C-CT.
Other names: c.2158dup, p.Tyr720fs (NM_001018037.2, NM_001018038.3, NM_015186.4); short protein forms Y720fs.
Identifiers: ClinVar variation 5013908 (VCV005013908.1).